The following is an entry in ClinVar:

ClinVar aggregate classification (germline): Uncertain significance (1 of 4 stars; one submission).

Conditions:
SEMA3B-related disorder. Also called: SEMA3B-related condition.

gnomAD v4.1: 40 of 1,531,580 alleles (0.0026%); highest among the groups gnomAD compares: Non-Finnish European, 0.0034%; no homozygotes.

Submission:

PreventionGenetics, part of Exact Sciences
Classification: Uncertain significance for SEMA3B-related condition. Last evaluated: 2026-04-27. Review status: criteria provided, single submitter. Criteria: ACMG Guidelines, 2015. Collection method: clinical testing. Allele origin: germline.
Comment: The SEMA3B c.2030C>A variant is predicted to result in the amino acid substitution p.Ala677Glu. To our knowledge, this variant has not been reported in the literature. This variant is reported in 0.0021% of alleles in individuals of European (non-Finnish) descent in gnomAD. At this time, the clinical significance of this variant is uncertain due to the absence of conclusive functional and genetic evidence.

NM_001290060.2(SEMA3B):c.2015C>A (p.Ala672Glu)

Gene: SEMA3B (semaphorin 3B; plus strand). Cytogenetic location: 3p21.31.
Variant type: single nucleotide variant.
Coding change: c.2015C>A on transcript NM_001290060.2 (MANE Select); coding-DNA position 2015, C replaced by A.
Protein change: p.Ala672Glu; replaces alanine 672 with glutamic acid.
Molecular consequence: missense variant. On other transcripts: non-coding transcript variant (1).
Genome position (GRCh38, 1-based): chr3:50,276,471, C>A. VCF-style: chr3-50276471-C-A. GRCh37 (hg19) VCF-style: chr3-50313902-C-A.
Other names: c.2012C>A, p.Ala671Glu (NM_001005914.3); c.2030C>A, p.Ala677Glu (NM_001290061.1); c.986C>A, p.Ala329Glu (NM_001290062.2, NM_001290063.2); c.2015C>A, p.Ala672Glu (NM_004636.4); short protein forms A329E, A671E, A672E, A677E.
Identifiers: ClinVar variation 3351796 (VCV003351796.2).